The following is an entry in ClinVar:

NM_001376.5(DYNC1H1):c.2580A>G (p.Glu860=)

Gene: DYNC1H1 (dynein cytoplasmic 1 heavy chain 1; plus strand). Cytogenetic location: 14q32.31.
Variant type: single nucleotide variant.
Coding change: c.2580A>G on transcript NM_001376.5 (MANE Select); coding-DNA position 2580, A replaced by G.
Protein change: p.Glu860=; no amino-acid change (glutamic acid 860 retained).
Molecular consequence: synonymous variant.
Genome position (GRCh38, 1-based): chr14:101,987,494, A>G. VCF-style: chr14-101987494-A-G. GRCh37 (hg19) VCF-style: chr14-102453831-A-G.
Other names: c.2580A>G (NM_001376.4).
Identifiers: ClinVar variation 1585861 (VCV001585861.9), dbSNP rs1343789593, ClinGen allele CA487966400.

ClinVar aggregate classification (germline): Likely benign. Review status: criteria provided, multiple submitters, no conflicts (2 of 4 stars). 2 submissions from 2 submitters: Likely benign (2). Last evaluated 2024-11-21.

Conditions:
DYNC1H1-related disorder. Also called: DYNC1H1-related disorders; DYNC1H1-related condition. Identifiers: MedGen CN381529.
Charcot-Marie-Tooth disease axonal type 2O. Also called: Charcot-Marie-Tooth Neuropathy Type 2O; Charcot-Marie-Tooth disease, axonal, type 20; CHARCOT-MARIE-TOOTH NEUROPATHY, AXONAL, TYPE 2O; CHARCOT-MARIE-TOOTH DISEASE, AXONAL, AUTOSOMAL DOMINANT, TYPE 2O. Identifiers: Orphanet 284232, MedGen C3280220, MONDO:0013644, OMIM 614228.

Allele frequency attached by ClinVar (database versions not stated): gnomAD 0.00001; gnomAD exomes 0.00001; TOPMed 0.00001.
gnomAD v4.1: 1 of 1,614,070 alleles (0.000062%); highest among the groups gnomAD compares: Admixed American, 0.0017%; no homozygotes.

Submissions (2):

PreventionGenetics, part of Exact Sciences
Classification: Likely benign for DYNC1H1-related condition. Last evaluated: 2024-11-21. Review status: criteria provided, single submitter. Criteria: ACMG Guidelines, 2015. Collection method: clinical testing. Allele origin: germline.
Comment: This variant is classified as likely benign based on ACMG/AMP sequence variant interpretation guidelines (Richards et al. 2015 PMID: 25741868, with internal and published modifications).

Labcorp Genetics (formerly Invitae), Labcorp
Classification: Likely benign for Charcot-Marie-Tooth disease axonal type 2O. Last evaluated: 2021-03-24. Review status: criteria provided, single submitter. Criteria: Invitae Variant Classification Sherloc (09022015). Collection method: clinical testing. Allele origin: germline.